The following is an entry in ClinVar:

ClinVar aggregate classification (germline): Uncertain significance (1 of 4 stars; one submission).

Conditions:
Primary ciliary dyskinesia. Also called: Ciliary dyskinesia. Identifiers: Orphanet 244, MedGen C0008780, MONDO:0016575, HP:0012265.

Submission:

Labcorp Genetics (formerly Invitae), Labcorp
Classification: Uncertain significance for Primary ciliary dyskinesia. Last evaluated: 2021-05-31. Review status: criteria provided, single submitter. Criteria: Invitae Variant Classification Sherloc (09022015). Collection method: clinical testing. Allele origin: germline.
Comment: This sequence change replaces tryptophan with cysteine at codon 794 of the DNAH5 protein (p.Trp794Cys). The tryptophan residue is highly conserved and there is a large physicochemical difference between tryptophan and cysteine. In summary, the available evidence is currently insufficient to determine the role of this variant in disease. Therefore, it has been classified as a Variant of Uncertain Significance. Advanced modeling of protein sequence and biophysical properties (such as structural, functional, and spatial information, amino acid conservation, physicochemical variation, residue mobility, and thermodynamic stability) performed at Invitae indicates that this missense variant is expected to disrupt DNAH5 protein function. This variant has not been reported in the literature in individuals with DNAH5-related conditions. This variant is not present in population databases (ExAC no frequency).

NM_001369.3(DNAH5):c.2382G>T (p.Trp794Cys)

Genes: DNAH5-AS1 (DNAH5 antisense RNA 1; plus strand), DNAH5 (dynein axonemal heavy chain 5; minus strand). Cytogenetic location: 5p15.2.
Variant type: single nucleotide variant.
Coding change: c.2382G>T on transcript NM_001369.3 (MANE Select); coding-DNA position 2382, G replaced by T.
Protein change: p.Trp794Cys; replaces tryptophan 794 with cysteine.
Molecular consequence: missense variant.
Genome position (GRCh38, 1-based): chr5:13,894,699, C>A on the plus strand (G>T on the coding strand, the complement: DNAH5 is on the minus strand). VCF-style: chr5-13894699-C-A. GRCh37 (hg19) VCF-style: chr5-13894808-C-A.
Other names: short protein forms W794C.
Identifiers: ClinVar variation 1485316 (VCV001485316.8), dbSNP rs2151953467, ClinGen allele CA359200697.
Genomic context (GRCh38, chr5:13,894,699, plus strand): 5'-GGCAGACTTACTGATCTTTGCAAAAGTGTTTTCTAAATAAGCCTCAATATTCAGTGATGT[C>A]CAGGTCAGTGCAGCCAAGCCAGGTTGGAGAGCTTCATCCACTTTGGCCAAGTGAGGGACA-3'
Protein context (NP_001360.1, residues 784-804): ALQPGLAALT[Trp794Cys]TSLNIEAYLE